The following is an entry in ClinVar:

ClinVar aggregate classification (germline): Uncertain significance (1 of 4 stars; one submission).

Submission:

GeneDx
Classification: Uncertain significance. Last evaluated: 2018-06-20. Review status: criteria provided, single submitter. Criteria: GeneDx Variant Classification Process June 2021. Collection method: clinical testing. Allele origin: germline. Affected: yes.
Comment: Not observed in large population cohorts (Lek et al., 2016); Canonical splice site variant in a gene for which loss-of-function is not a known mechanism of disease; Has not been previously published as pathogenic or benign to our knowledge

NM_004984.4(KIF5A):c.502-1G>C

Gene: KIF5A (kinesin family member 5A; plus strand). Cytogenetic location: 12q13.3.
Variant type: single nucleotide variant.
Coding change: c.502-1G>C on transcript NM_004984.4 (MANE Select); the canonical splice acceptor site of the intron before coding-DNA position 502, G replaced by C.
Molecular consequence: splice acceptor variant.
Genome position (GRCh38, 1-based): chr12:57,567,125, G>C. VCF-style: chr12-57567125-G-C. GRCh37 (hg19) VCF-style: chr12-57960908-G-C.
Other names: c.235-1G>C (NM_001354705.2).
Identifiers: ClinVar variation 1303950 (VCV001303950.2), dbSNP rs2140161193, ClinGen allele CA385497522.
Genomic context (GRCh38, chr12:57,567,125, plus strand): 5'-ATAAATAAATACAAACTTAAAAAACAAAGCTTATGGGTCACTGTCCATTTGTCCCCCACA[G>C]GGTTGTACTGAACGCTTTGTGTCCAGCCCGGAGGAGATTCTGGATGTGATTGATGAAGGG-3'